The following is an entry in ClinVar:

ClinVar aggregate classification (germline): Uncertain significance (1 of 4 stars; one submission).

Conditions:
Hereditary cancer-predisposing syndrome. Also called: Tumor predisposition; Neoplastic Syndromes, Hereditary; Hereditary Cancer Syndrome; Hereditary neoplastic syndrome. Identifiers: Orphanet 140162, MedGen C0027672, MeSH D009386, MONDO:0015356.

Submission:

Ambry Genetics
Classification: Uncertain significance for Hereditary cancer-predisposing syndrome. Last evaluated: 2025-01-13. Review status: criteria provided, single submitter. Criteria: Ambry Variant Classification Scheme 2023. Collection method: clinical testing. Allele origin: germline.
Comment: The c.532-1002G>C intronic variant results from a G to C substitution 1002 nucleotides upstream from coding exon 5 in the APC gene. This variant was reported in at least one individual with features consistent with familial adenomatous polyposis (Ambry internal data). This nucleotide position is well conserved in available vertebrate species. In silico splice site analysis for this alteration is inconclusive. RNA studies have demonstrated that this alteration results in a splice defect; the clinical impact of this abnormal splicing is unknown at this time (Ambry internal data). Based on the available evidence, the clinical significance of this variant remains unclear.

NM_000038.6(APC):c.532-1002G>C

Gene: APC (APC regulator of Wnt signaling pathway; plus strand). Cytogenetic location: 5q22.2.
Variant type: single nucleotide variant.
Coding change: c.532-1002G>C on transcript NM_000038.6 (MANE Select); 1002 bases into the intron before coding-DNA position 532, G replaced by C.
Molecular consequence: intron variant.
Genome position (GRCh38, 1-based): chr5:112,779,788, G>C. VCF-style: chr5-112779788-G-C. GRCh37 (hg19) VCF-style: chr5-112115485-G-C.
Other names: c.-504-1002G>C (NM_001407470.1, NM_001407472.1, NM_001354906.2 and 1 more transcripts); c.532-1002G>C (NM_001407447.1, NM_001354895.2, NM_001407456.1 and 16 more transcripts); c.562-1002G>C (NM_001407446.1, NM_001354897.2, NM_001354902.2 and 1 more transcripts); c.355-1002G>C (NM_001407453.1, NM_001354900.2, NM_001354901.2 and 1 more transcripts); c.457-1002G>C (NM_001407451.1, NM_001354898.2, NM_001354904.2).
Identifiers: ClinVar variation 3881455 (VCV003881455.1).